The following is an entry in ClinVar:

ClinVar aggregate classification (germline): Uncertain significance. Review status: criteria provided, multiple submitters, no conflicts (2 of 4 stars). 3 submissions from 3 submitters: Uncertain significance (3). Last evaluated 2024-11-14.

Allele frequency attached by ClinVar (database versions not stated): gnomAD 0.00001.
gnomAD v4.1: 36 of 1,614,068 alleles (0.0022%); highest among the groups gnomAD compares: African/African-American, 0.0027%; no homozygotes.

Submissions (3):

Blueprint Genetics
Classification: Uncertain significance. Last evaluated: 2024-11-14. Review status: criteria provided, single submitter. Criteria: ACMG Guidelines, 2015. Collection method: clinical testing. Allele origin: germline.

Labcorp Genetics (formerly Invitae), Labcorp
Classification: Uncertain significance. Last evaluated: 2024-10-10. Review status: criteria provided, single submitter. Criteria: Invitae Variant Classification Sherloc (09022015). Collection method: clinical testing. Allele origin: germline.
Comment: This sequence change replaces alanine, which is neutral and non-polar, with valine, which is neutral and non-polar, at codon 195 of the COL9A2 protein (p.Ala195Val). This variant is present in population databases (rs764157850, gnomAD 0.005%). This variant has not been reported in the literature in individuals affected with COL9A2-related conditions. ClinVar contains an entry for this variant (Variation ID: 1450402). Invitae Evidence Modeling of protein sequence and biophysical properties (such as structural, functional, and spatial information, amino acid conservation, physicochemical variation, residue mobility, and thermodynamic stability) indicates that this missense variant is not expected to disrupt COL9A2 protein function with a negative predictive value of 95%. In summary, the available evidence is currently insufficient to determine the role of this variant in disease. Therefore, it has been classified as a Variant of Uncertain Significance.

GeneDx
Classification: Uncertain significance. Last evaluated: 2022-10-31. Review status: criteria provided, single submitter. Criteria: GeneDx Variant Classification Process June 2021. Collection method: clinical testing. Allele origin: germline. Affected: yes.
Comment: Has not been previously published as pathogenic or benign to our knowledge; In silico analysis supports that this missense variant does not alter protein structure/function

NM_001852.4(COL9A2):c.584C>T (p.Ala195Val)

Gene: COL9A2 (collagen type IX alpha 2 chain; minus strand). Cytogenetic location: 1p34.2.
Variant type: single nucleotide variant.
Coding change: c.584C>T on transcript NM_001852.4 (MANE Select); coding-DNA position 584, C replaced by T.
Protein change: p.Ala195Val; replaces alanine 195 with valine.
Molecular consequence: missense variant.
Genome position (GRCh38, 1-based): chr1:40,311,139, G>A on the plus strand (C>T on the coding strand, the complement: COL9A2 is on the minus strand). VCF-style: chr1-40311139-G-A. GRCh37 (hg19) VCF-style: chr1-40776811-G-A.
Other names: short protein forms A195V.
Identifiers: ClinVar variation 1450402 (VCV001450402.10), dbSNP rs764157850, ClinGen allele CA791843.
Genomic context (GRCh38, chr1:40,311,139, plus strand): 5'-GCCCTTGCACTCACCGGCTTCCCCTGGTGGCCAGGATCACCCAGAATCCCGCGTTTGCCC[G>A]CATGCCCCTGAAGGGAAGGAGAGAGCTCAATACGAGGTCCCCTCCTGTCACCTGCACCAC-3'
Protein context (NP_001843.1, residues 185-205): PPGLQGVKGH[Ala195Val]GKRGILGDPG